The following is an entry in ClinVar:

ClinVar aggregate classification (germline): Likely pathogenic (1 of 4 stars; one submission).

Conditions:
Osteogenesis imperfecta type I (OI1). Also called: Lobstein disease; Lobstein's Disease; OI, TYPE I; OSTEOGENESIS IMPERFECTA TARDA; OSTEOGENESIS IMPERFECTA WITH BLUE SCLERAE; Osteogenesis imperfecta type 1. Identifiers: Orphanet 216796, Orphanet 666, MedGen C0023931, MONDO:0008146, OMIM 166200. Disease mechanism: loss of function.

Submission:

Labcorp Genetics (formerly Invitae), Labcorp
Classification: Likely pathogenic for Osteogenesis imperfecta type I. Last evaluated: 2025-09-27. Review status: criteria provided, single submitter. Criteria: Invitae Variant Classification Sherloc (09022015). Collection method: clinical testing. Allele origin: germline.
Comment: This sequence change replaces glycine, which is neutral and non-polar, with glutamic acid, which is acidic and polar, at codon 233 of the COL1A1 protein (p.Gly233Glu). This variant is not present in population databases (gnomAD no frequency). This variant has not been reported in the literature in individuals affected with COL1A1-related conditions. ClinVar contains an entry for this variant (Variation ID: 1488562). Experimental studies and prediction algorithms are not available or were not evaluated, and the functional significance of this variant is currently unknown. This variant disrupts the triple helix domain of COL1A1. Glycine residues within the Gly-Xaa-Yaa repeats of the triple helix domain are required for the structure and stability of fibrillar collagens (PMID: 7695699, 8218237, 19344236). In COL1A1, variants affecting these glycine residues are significantly enriched in individuals with disease (PMID: 9016532, 17078022) compared to the general population (ExAC). In summary, the currently available evidence indicates that the variant is pathogenic, but additional data are needed to prove that conclusively. Therefore, this variant has been classified as Likely Pathogenic.

Literature cited by the submitters: PubMed 7695699; PubMed 8218237; PubMed 19344236; PubMed 9016532; PubMed 17078022.

NM_000088.4(COL1A1):c.698G>A (p.Gly233Glu)

Genes: COL1A1 (collagen type I alpha 1 chain; minus strand), LOC126862586 (CDK7 strongly-dependent group 2 enhancer GRCh37_chr17:48273702-48274901; plus strand). Cytogenetic location: 17q21.33.
Variant type: single nucleotide variant.
Coding change: c.698G>A on transcript NM_000088.4 (MANE Select); coding-DNA position 698, G replaced by A.
Protein change: p.Gly233Glu; replaces glycine 233 with glutamic acid.
Molecular consequence: missense variant.
Genome position (GRCh38, 1-based): chr17:50,197,232, C>T on the plus strand (G>A on the coding strand, the complement: COL1A1 is on the minus strand). VCF-style: chr17-50197232-C-T. GRCh37 (hg19) VCF-style: chr17-48274593-C-T.
Other names: short protein forms G233E.
Identifiers: ClinVar variation 1488562 (VCV001488562.6), dbSNP rs2144584170, ClinGen allele CA400224337.